The following is an entry in ClinVar:

ClinVar aggregate classification (germline): Uncertain significance (1 of 4 stars; one submission).

Conditions:
Landau-Kleffner syndrome (FESD). Also called: EPILEPSY, FOCAL, WITH SPEECH DISORDER AND WITH OR WITHOUT MENTAL RETARDATION; APHASIA, ACQUIRED, WITH EPILEPSY. Identifiers: Orphanet 1945, Orphanet 725, Orphanet 98818, MedGen C0282512, MONDO:0009509, OMIM 245570.

Submission:

Labcorp Genetics (formerly Invitae), Labcorp
Classification: Uncertain significance for Landau-Kleffner syndrome. Last evaluated: 2018-08-15. Review status: criteria provided, single submitter. Criteria: Invitae Variant Classification Sherloc (09022015). Collection method: clinical testing. Allele origin: germline.
Comment: This variant, c.1264_1308delins18, results in the deletion of 15 amino acids from the GRIN2A protein along with an insertion of 6 additional amino acids (p.Ile422_Cys436delins6), but otherwise preserves the integrity of the reading frame. This variant is not present in population databases (ExAC no frequency). This variant has not been reported in the literature in individuals with GRIN2A-related disease. Experimental studies and prediction algorithms are not available for this variant, and the functional significance of the disrupted amino acids is currently unknown. In summary, the available evidence is currently insufficient to determine the role of this variant in disease. Therefore, it has been classified as a Variant of Uncertain Significance.

NM_001134407.3(GRIN2A):c.1264_1308delinsGTCAAAGTTCCGTGGAAA (p.Ile422_Cys436delinsValLysValProTrpLys)

Gene: GRIN2A (glutamate ionotropic receptor NMDA type subunit 2A; minus strand). Cytogenetic location: 16p13.2.
Variant type: Indel.
Coding change: c.1264_1308delinsGTCAAAGTTCCGTGGAAA on transcript NM_001134407.3 (MANE Select); coding-DNA positions 1264 to 1308, the reference bases replaced by GTCAAAGTTCCGTGGAAA.
Protein change: p.Ile422_Cys436delinsValLysValProTrpLys.
Molecular consequence: inframe indel.
Genome position (GRCh38, 1-based): chr16:9,849,776-9,849,820, 45 bases replaced. GRCh37 (hg19): chr16:9,943,633-9,943,677.
Other names: c.1264_1308delinsGTCAAAGTTCCGTGGAAA, p.Ile422_Cys436delinsValLysValProTrpLys (NM_000833.5, NM_001134408.2).
Identifiers: ClinVar variation 639911 (VCV000639911.6), dbSNP rs1596494678, ClinGen allele CA915949124.